The following is an entry in ClinVar:

ClinVar aggregate classification (germline): Uncertain significance (1 of 4 stars; one submission).

Conditions:
Cataract 5 multiple types (CTRCT5). Also called: CATARACT, MARNER TYPE; CATARACT 5, LAMELLAR; Lamellar cataract. Identifiers: Orphanet 91492, MedGen C0266537, MONDO:0007290, OMIM 116800, HP:0007971.

Submission:

Labcorp Genetics (formerly Invitae), Labcorp
Classification: Uncertain significance for Cataract 5 multiple types. Last evaluated: 2019-09-15. Review status: criteria provided, single submitter. Criteria: Invitae Variant Classification Sherloc (09022015). Collection method: clinical testing. Allele origin: germline.
Comment: In summary, the available evidence is currently insufficient to determine the role of this variant in disease. Therefore, it has been classified as a Variant of Uncertain Significance. Algorithms developed to predict the effect of missense changes on protein structure and function are either unavailable or do not agree on the potential impact of this missense change (SIFT: "Deleterious"; PolyPhen-2: "Probably Damaging"; Align-GVGD: "Class C15"). This variant has not been reported in the literature in individuals with HSF4-related conditions. This variant is not present in population databases (ExAC no frequency). This sequence change replaces asparagine with aspartic acid at codon 67 of the HSF4 protein (p.Asn67Asp). The asparagine residue is highly conserved and there is a small physicochemical difference between asparagine and aspartic acid.

NM_001374675.1(HSF4):c.199A>G (p.Asn67Asp)

Gene: HSF4 (heat shock transcription factor 4; plus strand). Cytogenetic location: 16q22.1.
Variant type: single nucleotide variant.
Coding change: c.199A>G on transcript NM_001374675.1 (MANE Select); coding-DNA position 199, A replaced by G.
Protein change: p.Asn67Asp; replaces asparagine 67 with aspartic acid.
Molecular consequence: missense variant.
Genome position (GRCh38, 1-based): chr16:67,165,597, A>G. VCF-style: chr16-67165597-A-G. GRCh37 (hg19) VCF-style: chr16-67199500-A-G.
Other names: c.199A>G, p.Asn67Asp (NM_001040667.3, NM_001374674.1, NM_001538.4); short protein forms N67D.
Identifiers: ClinVar variation 943687 (VCV000943687.9), dbSNP rs2031203924, ClinGen allele CA396263087.